The following is an entry in ClinVar:

ClinVar aggregate classification (germline): Uncertain significance (1 of 4 stars; one submission).

Conditions:
Loeys-Dietz syndrome 2 (LDS2). Also called: Marfan syndrome, type 2 (formerly); TGFBR2-Related Loeys-Dietz Syndrome; AORTIC ANEURYSM, FAMILIAL THORACIC 3; MARFAN SYNDROME, TYPE II; Marfan Syndrome type 2; Marfan like connective tissue disorder. Identifiers: Orphanet 284973, Orphanet 558, MedGen C2674574, MONDO:0012427, OMIM 610168.

gnomAD v4.1: 1 of 1,614,102 alleles (0.000062%); highest among the groups gnomAD compares: African/African-American, 0.0013%; no homozygotes.

Submission:

Labcorp Genetics (formerly Invitae), Labcorp
Classification: Uncertain significance for Loeys-Dietz syndrome 2. Last evaluated: 2025-01-01. Review status: criteria provided, single submitter. Criteria: Invitae Variant Classification Sherloc (09022015). Collection method: clinical testing. Allele origin: germline.
Comment: This sequence change replaces histidine, which is basic and polar, with arginine, which is basic and polar, at codon 346 of the TMPO protein (p.His346Arg). This variant is present in population databases (rs561767716, gnomAD 0.007%). This variant has not been reported in the literature in individuals affected with TMPO-related conditions. Invitae Evidence Modeling of protein sequence and biophysical properties (such as structural, functional, and spatial information, amino acid conservation, physicochemical variation, residue mobility, and thermodynamic stability) indicates that this missense variant is not expected to disrupt TMPO protein function with a negative predictive value of 80%. In summary, the available evidence is currently insufficient to determine the role of this variant in disease. Therefore, it has been classified as a Variant of Uncertain Significance.

NM_001032283.3(TMPO):c.565+1456A>G

Gene: TMPO (thymopoietin; plus strand). Cytogenetic location: 12q23.1.
Variant type: single nucleotide variant.
Coding change: c.565+1456A>G on transcript NM_001032283.3 (MANE Select); 1456 bases into the intron after coding-DNA position 565, A replaced by G.
Molecular consequence: intron variant. On other transcripts: missense variant (1).
Genome position (GRCh38, 1-based): chr12:98,533,294, A>G. VCF-style: chr12-98533294-A-G. GRCh37 (hg19) VCF-style: chr12-98927072-A-G.
Other names: c.1037A>G, p.His346Arg (NM_003276.2); c.565+1456A>G (NM_001307975.2, NM_001032284.3); short protein forms H346R.
Identifiers: ClinVar variation 3710050 (VCV003710050.2).
Genomic context (GRCh38, chr12:98,533,294, plus strand): 5'-TAGAAAATATTTGCGGTAGAGAGAAAAGTGGAATTCAACCATTATGTCCTGAGAGGTCCC[A>G]TATTTCAGATCAATCGCCTCTCTCCAGTAAAAGGAAAGCACTAGAAGAGTCTGAGAGCTC-3'